The following is an entry in ClinVar:

NM_000435.3(NOTCH3):c.6266C>T (p.Pro2089Leu)

Gene: NOTCH3 (notch receptor 3; minus strand). Cytogenetic location: 19p13.12.
Variant type: single nucleotide variant.
Coding change: c.6266C>T on transcript NM_000435.3 (MANE Select); coding-DNA position 6266, C replaced by T.
Protein change: p.Pro2089Leu; replaces proline 2089 with leucine.
Molecular consequence: missense variant.
Genome position (GRCh38, 1-based): chr19:15,161,362, G>A on the plus strand (C>T on the coding strand, the complement: NOTCH3 is on the minus strand). VCF-style: chr19-15161362-G-A. GRCh37 (hg19) VCF-style: chr19-15272173-G-A.
Other names: c.6266C>T (NM_000435.2); short protein forms P2089L.
Identifiers: ClinVar variation 1519539 (VCV001519539.7), dbSNP rs749288986, ClinGen allele CA9262392.
Genomic context (GRCh38, chr19:15,161,362, plus strand): 5'-CGCGGGGAGTCCAGCGAGTCCACGGGCGACAGCGTGACCGAGCTGTCAGCCAGGGGGCCC[G>A]GGCAGGCCAGCGTCAGCTTCTTGCCCCGCCCCCGGGGCCCCTGCGGCCCCAGCCCCGCCT-3'
Protein context (NP_000426.2, residues 2079-2099): GRGKKLTLAC[Pro2089Leu]GPLADSSVTL

ClinVar aggregate classification (germline): Uncertain significance. Review status: criteria provided, multiple submitters, no conflicts (2 of 4 stars). 3 submissions from 3 submitters: Uncertain significance (3). Last evaluated 2024-09-23.

Allele frequency attached by ClinVar (database versions not stated): gnomAD 0.00002; gnomAD exomes 0.00002 and 0.00003; TOPMed 0.00003.

Submissions (3):

Athena Diagnostics
Classification: Uncertain significance. Last evaluated: 2024-09-23. Review status: criteria provided, single submitter. Criteria: Athena Diagnostics Criteria. Collection method: clinical testing. Allele origin: unknown.
Comment: Available data are insufficient to determine the clinical significance of the variant at this time. The frequency of this variant in the general population is uninformative in assessment of its pathogenicity. Polyphen and MutationTaster predict this amino acid change may be benign. Greater than 90% of NOTCH3 pathogenic variants associated with CADASIL involve the gain or loss of a cysteine residue within the epidermal growth factor (EGF)-like repeat domain (PMID: 32457593, 20301673).

Women's Health and Genetics/Laboratory Corporation of America, LabCorp
Classification: Uncertain significance. Last evaluated: 2023-10-17. Review status: criteria provided, single submitter. Criteria: LabCorp Variant Classification Summary - May 2015. Collection method: clinical testing. Allele origin: germline.
Comment: Variant summary: NOTCH3 c.6266C>T (p.Pro2089Leu) results in a non-conservative amino acid change in the encoded protein sequence. Three of five in-silico tools predict a benign effect of the variant on protein function. The variant allele was found at a frequency of 2.4e-05 in 125166 control chromosomes (gnomAD). The available data on variant occurrences in the general population are insufficient to allow any conclusion about variant significance. To our knowledge, no occurrence of c.6266C>T in individuals affected with NOTCH3-Related Disorders and no experimental evidence demonstrating its impact on protein function have been reported. One submitter has cited a clinical-significance assessment for this variant to ClinVar after 2014 and has classified the variant as uncertain significance. Based on the evidence outlined above, the variant was classified as uncertain significance.

Labcorp Genetics (formerly Invitae), Labcorp
Classification: Uncertain significance. Last evaluated: 2021-10-15. Review status: criteria provided, single submitter. Criteria: Invitae Variant Classification Sherloc (09022015). Collection method: clinical testing. Allele origin: germline.
Comment: The frequency data for this variant in the population databases is considered unreliable, as metrics indicate poor data quality at this position in the ExAC database. This sequence change replaces proline with leucine at codon 2089 of the NOTCH3 protein (p.Pro2089Leu). The proline residue is highly conserved and there is a moderate physicochemical difference between proline and leucine. This variant has not been reported in the literature in individuals affected with NOTCH3-related conditions. In summary, the available evidence is currently insufficient to determine the role of this variant in disease. Therefore, it has been classified as a Variant of Uncertain Significance. Advanced modeling of protein sequence and biophysical properties (such as structural, functional, and spatial information, amino acid conservation, physicochemical variation, residue mobility, and thermodynamic stability) performed at Invitae indicates that this missense variant is not expected to disrupt NOTCH3 protein function.